The following is an entry in ClinVar:

NM_004370.6(COL12A1):c.2438-8dup

Gene: COL12A1 (collagen type XII alpha 1 chain; minus strand). Cytogenetic location: 6q13.
Variant type: Duplication.
Coding change: c.2438-8dup on transcript NM_004370.6 (MANE Select); 8 bases into the intron before coding-DNA position 2438, one base duplicated (T; older notation c.2438-8dupT).
Molecular consequence: intron variant.
Genome position (GRCh38, 1-based): chr6:75,175,318, A duplicated on the plus strand (T on the coding strand, the reverse complement: COL12A1 is on the minus strand); the first of 6 consecutive A bases (chr6:75,175,318-75,175,323); duplicating any one gives the same sequence. VCF-style (leftmost placement, unchanged base first): chr6-75175317-T-TA. GRCh37 (hg19) VCF-style: chr6-75885033-T-TA.
Other names: c.2438-8dupT (NM_004370.6); c.74-22836dup (NM_080645.3).
Identifiers: ClinVar variation 1599059 (VCV001599059.9), dbSNP rs1032205753, ClinGen allele CA141023469.
Genomic context (GRCh38, chr6:75,175,317, plus strand): 5'-TCATAGTAGACGTCGTAGGGTCAGAAACTCTTAAGTCTCTTGGATTCCCTCTAACTTCAT[T>TA]AAAAAATGACAACATCATCAAAACCCATTATTTAAAAAAATGACTTGAAAAACACTTTGT-3'

ClinVar aggregate classification (germline): Benign/Likely benign. Review status: criteria provided, multiple submitters, no conflicts (2 of 4 stars). 2 submissions from 2 submitters: Benign (1); Likely benign (1). Last evaluated 2026-05-08.

Conditions:
Ullrich congenital muscular dystrophy 2 (UCMD2). Identifiers: Orphanet 75840, MedGen C4225314, MONDO:0014654, OMIM 616470.
Bethlem myopathy 2 (BTHLM2). Identifiers: Orphanet 536516, Orphanet 610, MedGen C4225313, MONDO:0034022, OMIM 616471.

Submissions (2):

Women's Health and Genetics/Laboratory Corporation of America, LabCorp
Classification: Likely benign. Last evaluated: 2026-05-08. Review status: criteria provided, single submitter. Criteria: LabCorp Variant Classification Summary - May 2015. Collection method: clinical testing. Allele origin: germline.
Comment: Variant summary: COL12A1 c.2438-8dupT alters a nucleotide located at a position not widely known to affect splicing. Consensus agreement among computation tools predict no significant impact on normal splicing. However, these predictions have yet to be confirmed by functional studies. The variant allele was found at a frequency of 1.3e-05 in 237136 control chromosomes. The available data on variant occurrences in the general population are insufficient to allow any conclusion about variant significance. To our knowledge, no occurrence of c.2438-8dupT in individuals affected with COL12A1-related conditions and no experimental evidence demonstrating its impact on protein function have been reported. ClinVar contains an entry for this variant (Variation ID: 1599059). Based on the evidence outlined above, the variant was classified as likely benign.

Labcorp Genetics (formerly Invitae), Labcorp
Classification: Benign for Bethlem myopathy 2; Ullrich congenital muscular dystrophy 2. Last evaluated: 2025-01-17. Review status: criteria provided, single submitter. Criteria: Invitae Variant Classification Sherloc (09022015). Collection method: clinical testing. Allele origin: germline.